The following is an entry in ClinVar:

ClinVar aggregate classification (germline): Uncertain significance (1 of 4 stars; one submission).

Submission:

GeneDx
Classification: Uncertain significance. Last evaluated: 2025-11-16. Review status: criteria provided, single submitter. Criteria: GeneDx Variant Classification Process June 2021. Collection method: clinical testing. Allele origin: germline.
Comment: Not observed at significant frequency in large population cohorts (gnomAD); In silico analysis supports that this missense variant has a deleterious effect on protein structure/function; Has not been previously published as pathogenic or benign to our knowledge

NM_001077350.3(NPRL3):c.1541C>T (p.Ala514Val)

Genes: HBA-LCR (alpha-globin locus control region; plus strand), NPRL3 (NPR3 like, GATOR1 complex subunit; minus strand). Cytogenetic location: 16p13.3.
Variant type: single nucleotide variant.
Coding change: c.1541C>T on transcript NM_001077350.3 (MANE Select); coding-DNA position 1541, C replaced by T.
Protein change: p.Ala514Val; replaces alanine 514 with valine.
Molecular consequence: missense variant.
Genome position (GRCh38, 1-based): chr16:88,701, G>A on the plus strand (C>T on the coding strand, the complement: NPRL3 is on the minus strand). VCF-style: chr16-88701-G-A. GRCh37 (hg19) VCF-style: chr16-138700-G-A.
Other names: c.1004C>T, p.Ala335Val (NM_001039476.3); c.1307C>T, p.Ala436Val (NM_001243247.2); c.1466C>T, p.Ala489Val (NM_001243248.2, NM_001243249.2); short protein forms A335V, A436V, A489V, A514V.
Identifiers: ClinVar variation 4086503 (VCV004086503.2).